The following is an entry in ClinVar:

NM_000051.4(ATM):c.2728_2749del (p.Thr910fs)

Gene: ATM (ATM serine/threonine kinase; plus strand). Cytogenetic location: 11q22.3.
Variant type: Deletion.
Coding change: c.2728_2749del on transcript NM_000051.4 (MANE Select); coding-DNA positions 2728 to 2749, 22 bases deleted (ACTGCTCAGACCAATACTGTGT).
Protein change: p.Thr910fs; shifts the reading frame from threonine 910.
Molecular consequence: frameshift variant.
Genome position (GRCh38, 1-based): chr11:108,268,499-108,268,520, ACTGCTCAGACCAATACTGTGT deleted; deleting any 22 consecutive bases within chr11:108,268,498-108,268,520 gives the same sequence; the c. name uses the placement nearest the transcript's 3' end. VCF-style (leftmost placement, unchanged base first): chr11-108268497-CTACTGCTCAGACCAATACTGTG-C. GRCh37 (hg19) VCF-style: chr11-108139224-CTACTGCTCAGACCAATACTGTG-C.
Other names: c.2728_2749del, p.Thr910fs (NM_001351834.2); short protein forms T910fs.
Identifiers: ClinVar variation 3379237 (VCV003379237.1).

ClinVar aggregate classification (germline): Pathogenic (1 of 4 stars; one submission).

Conditions:
Familial cancer of breast. Also called: hereditary breast carcinoma; Hereditary breast cancer; BREAST CANCER, FAMILIAL. Identifiers: Orphanet 227535, MedGen C0346153, MONDO:0016419, OMIM 114480. Disease mechanism: loss of function.

Submission:

Myriad Genetics, Inc.
Classification: Pathogenic for Familial cancer of breast. Last evaluated: 2024-07-03. Review status: criteria provided, single submitter. Criteria: Myriad Autosomal Dominant, Autosomal Recessive and X-Linked Classification Criteria (2023). Collection method: clinical testing. Allele origin: unknown.
Comment: This variant is considered pathogenic. This variant creates a frameshift predicted to result in premature protein truncation.